The following is an entry in ClinVar:

ClinVar aggregate classification (germline): Uncertain significance. Review status: criteria provided, multiple submitters, no conflicts (2 of 4 stars). 3 submissions from 3 submitters: Uncertain significance (3). Last evaluated 2025-09-15.

Conditions:
Familial cancer of breast. Also called: BREAST CANCER, FAMILIAL; Hereditary breast cancer; hereditary breast carcinoma. Identifiers: Orphanet 227535, MedGen C0346153, MONDO:0016419, OMIM 114480. Disease mechanism: loss of function.
Hereditary cancer-predisposing syndrome. Also called: Neoplastic Syndromes, Hereditary; Tumor predisposition; Hereditary neoplastic syndrome; Hereditary Cancer Syndrome. Identifiers: Orphanet 140162, MedGen C0027672, MeSH D009386, MONDO:0015356.

Allele frequency attached by ClinVar (database versions not stated): gnomAD exomes below 0.00001.
gnomAD v4.1: 1 of 1,614,086 alleles (0.000062%); highest among the groups gnomAD compares: South Asian, 0.0011%; no homozygotes.

Submissions (3):

Labcorp Genetics (formerly Invitae), Labcorp
Classification: Uncertain significance for Familial cancer of breast. Last evaluated: 2025-09-15. Review status: criteria provided, single submitter. Criteria: Invitae Variant Classification Sherloc (09022015). Collection method: clinical testing. Allele origin: germline.
Comment: This sequence change replaces asparagine, which is neutral and polar, with lysine, which is basic and polar, at codon 316 of the CHEK2 protein (p.Asn316Lys). This variant is not present in population databases (gnomAD no frequency). This variant has not been reported in the literature in individuals affected with CHEK2-related conditions. ClinVar contains an entry for this variant (Variation ID: 629342). An algorithm developed to predict the effect of missense changes on protein structure and function (PolyPhen-2) suggests that this variant is likely to be tolerated. In summary, the available evidence is currently insufficient to determine the role of this variant in disease. Therefore, it has been classified as a Variant of Uncertain Significance.

Color Diagnostics, LLC DBA Color Health
Classification: Uncertain significance for Hereditary cancer-predisposing syndrome. Last evaluated: 2024-03-06. Review status: criteria provided, single submitter. Criteria: ACMG Guidelines, 2015. Collection method: clinical testing. Allele origin: germline.
Comment: This missense variant replaces asparagine with lysine at codon 316 of the CHEK2 protein. Computational prediction suggests that this variant may not impact protein structure and function (internally defined REVEL score threshold <= 0.5, PMID: 27666373). Splice site prediction tools suggest that this variant may not impact RNA splicing. To our knowledge, functional studies have not been performed for this variant. This variant has not been reported in individuals affected with hereditary cancer in the literature. This variant has not been identified in the general population by the Genome Aggregation Database (gnomAD). The available evidence is insufficient to determine the role of this variant in disease conclusively. Therefore, this variant is classified as a Variant of Uncertain Significance.

Ambry Genetics
Classification: Uncertain significance for Hereditary cancer-predisposing syndrome. Last evaluated: 2023-03-02. Review status: criteria provided, single submitter. Criteria: Ambry Variant Classification Scheme 2023. Collection method: clinical testing. Allele origin: germline.
Comment: The p.N316K variant (also known as c.948T>A), located in coding exon 8 of the CHEK2 gene, results from a T to A substitution at nucleotide position 948. The asparagine at codon 316 is replaced by lysine, an amino acid with similar properties. This amino acid position is not well conserved in available vertebrate species. In addition, this alteration is predicted to be tolerated by in silico analysis. Since supporting evidence is limited at this time, the clinical significance of this alteration remains unclear.

NM_007194.4(CHEK2):c.948T>A (p.Asn316Lys)

Gene: CHEK2 (checkpoint kinase 2; minus strand). Cytogenetic location: 22q12.1.
Variant type: single nucleotide variant.
Coding change: c.948T>A on transcript NM_007194.4 (MANE Select); coding-DNA position 948, T replaced by A.
Protein change: p.Asn316Lys; replaces asparagine 316 with lysine.
Molecular consequence: missense variant.
Genome position (GRCh38, 1-based): chr22:28,699,898, A>T on the plus strand (T>A on the coding strand, the complement: CHEK2 is on the minus strand). VCF-style: chr22-28699898-A-T. GRCh37 (hg19) VCF-style: chr22-29095886-A-T.
Other names: c.1077T>A, p.Asn359Lys (NM_001005735.3); c.285T>A, p.Asn95Lys (NM_001257387.3); c.747T>A, p.Asn249Lys (NM_001349956.3); c.948T>A, p.Asn316Lys (NM_145862.3); short protein forms N316K, N95K, N249K, N359K.
Identifiers: ClinVar variation 629342 (VCV000629342.16), dbSNP rs1569121419, ClinGen allele CA411099910.